The following is an entry in ClinVar:

NM_014698.3(TMEM63A):c.1265G>A (p.Trp422Ter)

Gene: TMEM63A (transmembrane protein 63A; minus strand). Cytogenetic location: 1q42.12.
Variant type: single nucleotide variant.
Coding change: c.1265G>A on transcript NM_014698.3 (MANE Select); coding-DNA position 1265, G replaced by A.
Protein change: p.Trp422Ter; replaces tryptophan 422 with a stop codon.
Molecular consequence: nonsense.
Genome position (GRCh38, 1-based): chr1:225,859,308, C>T on the plus strand (G>A on the coding strand, the complement: TMEM63A is on the minus strand). VCF-style: chr1-225859308-C-T. GRCh37 (hg19) VCF-style: chr1-226047008-C-T.
Other names: short protein forms W422*.
Identifiers: ClinVar variation 5002732 (VCV005002732.1).

ClinVar aggregate classification (germline): Uncertain significance (1 of 4 stars; one submission).

Submission:

OLLIN Analises Genomicas, OLLIN
Classification: Uncertain significance. Last evaluated: 2026-08-06. Review status: criteria provided, single submitter. Criteria: ACMG Guidelines 2015 PMID 25741868. Collection method: clinical testing. Allele origin: germline.
Comment: This nonsense variant, located in exon 15 (of 25), is absent from gnomAD and ClinVar and has not been identified in the literature. This variant introduces a premature stop codon, which is predicted to result in either a truncated protein or degradation of the mRNA via nonsense-mediated decay (NMD). According to the currently available evidence, this variant has been classified as uncertain significance (PM2_P).